The following is an entry in ClinVar:

ClinVar aggregate classification (germline): Likely benign. Review status: criteria provided, multiple submitters, no conflicts (2 of 4 stars). 2 submissions from 2 submitters: Likely benign (2). Last evaluated 2024-09-20.

Conditions:
Hereditary diffuse gastric adenocarcinoma (HDGC). Also called: DIFFUSE GASTRIC AND LOBULAR BREAST CANCER SYNDROME. Identifiers: Orphanet 26106, MedGen C1708349, MONDO:0007648, OMIM 137215.

Submissions (2):

Myriad Genetics, Inc.
Classification: Likely benign for Hereditary diffuse gastric adenocarcinoma. Last evaluated: 2024-09-20. Review status: criteria provided, single submitter. Criteria: Myriad Autosomal Dominant, Autosomal Recessive and X-Linked Classification Criteria (2023). Collection method: clinical testing. Allele origin: unknown.
Comment: This variant is considered likely benign. This variant is intronic and is not expected to impact mRNA splicing.

Labcorp Genetics (formerly Invitae), Labcorp
Classification: Likely benign for Hereditary diffuse gastric adenocarcinoma. Last evaluated: 2024-07-22. Review status: criteria provided, single submitter. Criteria: Invitae Variant Classification Sherloc (09022015). Collection method: clinical testing. Allele origin: germline.

NM_004360.5(CDH1):c.1936+8C>G

Gene: CDH1 (cadherin 1; plus strand). Cytogenetic location: 16q22.1.
Variant type: single nucleotide variant.
Coding change: c.1936+8C>G on transcript NM_004360.5 (MANE Select); 8 bases into the intron after coding-DNA position 1936, C replaced by G.
Molecular consequence: intron variant.
Genome position (GRCh38, 1-based): chr16:68,822,233, C>G. VCF-style: chr16-68822233-C-G. GRCh37 (hg19) VCF-style: chr16-68856136-C-G.
Other names: c.388+8C>G (NM_001317185.2); c.-30+8C>G (NM_001317186.2); c.1753+8C>G (NM_001317184.2).
Identifiers: ClinVar variation 706725 (VCV000706725.6), dbSNP rs776624068, ClinGen allele CA915949322.